The following is an entry in ClinVar:

ClinVar aggregate classification (germline): Pathogenic (1 of 4 stars; one submission).

Submission:

CeGaT Center for Human Genetics Tuebingen
Classification: Pathogenic. Last evaluated: 2023-09-01. Review status: criteria provided, single submitter. Criteria: CeGaT Center For Human Genetics Tuebingen Variant Classification Criteria Version 2. Collection method: clinical testing. Allele origin: germline. Affected: yes. Observed: 1 variant allele.
Comment: CHD2: PVS1, PM2

NM_001271.4(CHD2):c.696C>G (p.Tyr232Ter)

Gene: CHD2 (chromodomain helicase DNA binding protein 2; plus strand). Cytogenetic location: 15q26.1.
Variant type: single nucleotide variant.
Coding change: c.696C>G on transcript NM_001271.4 (MANE Select); coding-DNA position 696, C replaced by G.
Protein change: p.Tyr232Ter; replaces tyrosine 232 with a stop codon.
Molecular consequence: nonsense.
Genome position (GRCh38, 1-based): chr15:92,941,825, C>G. VCF-style: chr15-92941825-C-G. GRCh37 (hg19) VCF-style: chr15-93485055-C-G.
Other names: c.696C>G, p.Tyr232Ter (NM_001042572.3); short protein forms Y232*.
Identifiers: ClinVar variation 2582941 (VCV002582941.25), dbSNP rs1488871836, ClinGen allele CA393900594.